The following is an entry in ClinVar:

Conditions:
Long QT syndrome 5 (LQT5). Identifiers: Orphanet 101016, Orphanet 768, MedGen C1867904, MONDO:0013372, OMIM 613695.

Submission:

Roden Lab, Vanderbilt University Medical Center
No classification provided (evidence only). Condition: Long QT syndrome 5. Review status: no classification provided. Collection method: in vitro. Allele origin: not applicable. Functional consequence: Effect on ion channel function.
ClinVar note: "not provided" was previously submitted as the classification for the variant. However, the classification appeared to be based only on an observation of functional data so it was converted to no classification on 2025-07-30.

NM_000219.6(KCNE1):c.171C>G (p.Phe57Leu)

Gene: KCNE1 (potassium voltage-gated channel subfamily E regulatory subunit 1; minus strand). Cytogenetic location: 21q22.12.
Variant type: single nucleotide variant.
Coding change: c.171C>G on transcript NM_000219.6 (MANE Select); coding-DNA position 171, C replaced by G.
Protein change: p.Phe57Leu; replaces phenylalanine 57 with leucine.
Molecular consequence: missense variant.
Genome position (GRCh38, 1-based): chr21:34,449,464, G>C on the plus strand (C>G on the coding strand, the complement: KCNE1 is on the minus strand). VCF-style: chr21-34449464-G-C. GRCh37 (hg19) VCF-style: chr21-35821762-G-C.
Other names: c.171C>G, p.Phe57Leu (NM_001127668.4, NM_001127669.4, NM_001127670.4 and 4 more transcripts); short protein forms F57L.
Identifiers: ClinVar variation 3374239 (VCV003374239.2).
Genomic context (GRCh38, chr21:34,449,464, plus strand): 5'-TGGGTCGTTCGAGTGCTCCAGCTTCTTGGAGCGGATGTAGCTCAGCATGATGCCCAGGGT[G>C]AAGAAGCCGAAGAATCCCAGTACCATGAGGACGTAGAGGGCCTCCAGCTTGCCGTCACTG-3'
Protein context (NP_000210.2, residues 47-67): VLMVLGFFGF[Phe57Leu]TLGIMLSYIR